The following is an entry in ClinVar:

ClinVar aggregate classification (germline): Uncertain significance. Review status: criteria provided, multiple submitters, no conflicts (2 of 4 stars). 2 submissions from 2 submitters: Uncertain significance (2). Last evaluated 2025-11-25.

Conditions:
Charcot-Marie-Tooth disease type 2R. Also called: CHARCOT-MARIE-TOOTH DISEASE, AXONAL, AUTOSOMAL RECESSIVE, TYPE 2R; Charcot-Marie-Tooth disease, axonal, type 2R; CHARCOT-MARIE-TOOTH NEUROPATHY, TYPE 2R. Identifiers: Orphanet 397968, MedGen C3809655, MONDO:0014208, OMIM 615490.

Allele frequency attached by ClinVar (database versions not stated): gnomAD 0.00001; ExAC 0.00001; gnomAD exomes below 0.00001.
gnomAD v4.1: 2 of 1,614,062 alleles (0.00012%); highest among the groups gnomAD compares: Non-Finnish European, 0.00017%; no homozygotes.

Submissions (2):

Ambry Genetics
Classification: Uncertain significance. Last evaluated: 2025-11-25. Review status: criteria provided, single submitter. Criteria: Ambry Variant Classification Scheme 2023. Collection method: clinical testing. Allele origin: germline.

Labcorp Genetics (formerly Invitae), Labcorp
Classification: Uncertain significance for Charcot-Marie-Tooth disease type 2R. Last evaluated: 2024-04-15. Review status: criteria provided, single submitter. Criteria: Invitae Variant Classification Sherloc (09022015). Collection method: clinical testing. Allele origin: germline.
Comment: This sequence change replaces leucine, which is neutral and non-polar, with serine, which is neutral and polar, at codon 193 of the TRIM2 protein (p.Leu193Ser). This variant is present in population databases (rs759938444, gnomAD 0.0009%). This variant has not been reported in the literature in individuals affected with TRIM2-related conditions. ClinVar contains an entry for this variant (Variation ID: 474612). An algorithm developed to predict the effect of missense changes on protein structure and function (PolyPhen-2) suggests that this variant is likely to be disruptive. In summary, the available evidence is currently insufficient to determine the role of this variant in disease. Therefore, it has been classified as a Variant of Uncertain Significance.

NM_015271.5(TRIM2):c.659T>C (p.Leu220Ser)

Gene: TRIM2 (tripartite motif containing 2; plus strand). Cytogenetic location: 4q31.3.
Variant type: single nucleotide variant.
Coding change: c.659T>C on transcript NM_015271.5 (MANE Select); coding-DNA position 659, T replaced by C.
Protein change: p.Leu220Ser; replaces leucine 220 with serine.
Molecular consequence: missense variant.
Genome position (GRCh38, 1-based): chr4:153,294,358, T>C. VCF-style: chr4-153294358-T-C. GRCh37 (hg19) VCF-style: chr4-154215510-T-C.
Other names: c.578T>C, p.Leu193Ser (NM_001130067.2, NM_001351056.2); c.632T>C, p.Leu211Ser (NM_001351054.2); c.629T>C, p.Leu210Ser (NM_001351055.2); c.203T>C, p.Leu68Ser (NM_001351057.2); c.659T>C (NM_015271.3); short protein forms L193S, L220S, L210S, L211S, L68S.
Identifiers: ClinVar variation 474612 (VCV000474612.9), dbSNP rs759938444, ClinGen allele CA3108604.